The following is an entry in ClinVar:

ClinVar aggregate classification (germline): Uncertain significance. Review status: criteria provided, multiple submitters, no conflicts (2 of 4 stars). 2 submissions from 2 submitters: Uncertain significance (2). Last evaluated 2025-04-23.

Conditions:
Neuronopathy, distal hereditary motor, autosomal recessive 4. Also called: Autosomal recessive lower motor neuron disease with childhood onset; NEUROPATHY, DISTAL HEREDITARY MOTOR, AUTOSOMAL RECESSIVE 4. Identifiers: Orphanet 206580, MedGen C1970211, MONDO:0012608, OMIM 611067.
Charcot-Marie-Tooth disease recessive intermediate C. Also called: CHARCOT-MARIE-TOOTH NEUROPATHY, RECESSIVE INTERMEDIATE C. Identifiers: Orphanet 369867, MedGen C3809309, MONDO:0014154, OMIM 615376.

Allele frequency attached by ClinVar (database versions not stated): ExAC 0.00001; gnomAD exomes 0.00001 and 0.00003; TOPMed 0.00001.
gnomAD v4.1: 38 of 1,613,312 alleles (0.0024%); highest among the groups gnomAD compares: Admixed American, 0.0033%; no homozygotes.

Submissions (2):

GeneDx
Classification: Uncertain significance. Last evaluated: 2025-04-23. Review status: criteria provided, single submitter. Criteria: GeneDx Variant Classification Process June 2021. Collection method: clinical testing. Allele origin: germline. Affected: yes.
Comment: Not observed at significant frequency in large population cohorts (gnomAD); In silico analysis supports that this missense variant has a deleterious effect on protein structure/function; Has not been previously published as pathogenic or benign to our knowledge

Labcorp Genetics (formerly Invitae), Labcorp
Classification: Uncertain significance for Neuronopathy, distal hereditary motor, autosomal recessive 4; Charcot-Marie-Tooth disease recessive intermediate C. Last evaluated: 2021-08-13. Review status: criteria provided, single submitter. Criteria: Invitae Variant Classification Sherloc (09022015). Collection method: clinical testing. Allele origin: germline.
Comment: This sequence change replaces arginine with tryptophan at codon 20 of the PLEKHG5 protein (p.Arg20Trp). The arginine residue is highly conserved and there is a moderate physicochemical difference between arginine and tryptophan. This variant is present in population databases (rs776026198, ExAC 0.009%). This variant has not been reported in the literature in individuals affected with PLEKHG5-related conditions. Algorithms developed to predict the effect of missense changes on protein structure and function are either unavailable or do not agree on the potential impact of this missense change (SIFT: "Deleterious"; PolyPhen-2: "Probably Damaging"; Align-GVGD: "Class C0"). In summary, the available evidence is currently insufficient to determine the role of this variant in disease. Therefore, it has been classified as a Variant of Uncertain Significance.

NM_020631.6(PLEKHG5):c.58C>T (p.Arg20Trp)

Gene: PLEKHG5 (pleckstrin homology and RhoGEF domain containing G5; minus strand). Cytogenetic location: 1p36.31.
Variant type: single nucleotide variant.
Coding change: c.58C>T on transcript NM_020631.6 (MANE Select); coding-DNA position 58, C replaced by T.
Protein change: p.Arg20Trp; replaces arginine 20 with tryptophan.
Molecular consequence: missense variant.
Genome position (GRCh38, 1-based): chr1:6,476,022, G>A on the plus strand (C>T on the coding strand, the complement: PLEKHG5 is on the minus strand). VCF-style: chr1-6476022-G-A. GRCh37 (hg19) VCF-style: chr1-6536082-G-A.
Other names: c.169C>T, p.Arg57Trp (NM_001042663.3, NM_001265592.2); c.58C>T, p.Arg20Trp (NM_001042664.2, NM_001042665.2, NM_001265594.3 and 1 more transcripts); c.265C>T, p.Arg89Trp (NM_001265593.2); short protein forms R57W, R89W, R20W.
Identifiers: ClinVar variation 941045 (VCV000941045.8), dbSNP rs776026198, ClinGen allele CA562005.